The following is an entry in ClinVar:

ClinVar aggregate classification (germline): Likely pathogenic (1 of 4 stars; one submission).

Conditions:
Progressive external ophthalmoplegia with mitochondrial DNA deletions, autosomal dominant 1 (PEOA1). Also called: Autosomal Dominant Progressive External Ophthalmoplegia (adPEO); PROGRESSIVE EXTERNAL OPHTHALMOPLEGIA, AUTOSOMAL DOMINANT 1. Identifiers: MedGen C1834846, MONDO:0024528, OMIM 157640.
Mitochondrial DNA depletion syndrome 4b. Also called: Mitochondrial Neurogastrointestinal Encephalopathy Disease, POLG-Related; MNGIE, POLG-RELATED. Identifiers: Orphanet 298, MedGen C3150914, MONDO:0013350, OMIM 613662.
Progressive external ophthalmoplegia with mitochondrial DNA deletions, autosomal recessive 1 (PEOB1). Also called: Progressive external ophthalmoplegia, autosomal recessive 1; Autosomal Recessive Progressive External Ophthalmoplegia (arPEO). Identifiers: Orphanet 254886, MedGen C4225153, MONDO:0009783, OMIM 258450.
Sensory ataxic neuropathy, dysarthria, and ophthalmoparesis (SANDO). Also called: Sensory ataxic neuropathy-dysarthria-ophthalmoparesis syndrome; SENSORY ATAXIC NEUROPATHY WITH MITOCHONDRIAL DNA DELETIONS, AUTOSOMAL RECESSIVE; Ataxia Neuropathy Spectrum (ANS); Epilepsy, progressive myoclonic, type 5. Identifiers: Orphanet 70595, MedGen C1843851, MONDO:0011835, OMIM 607459.
Progressive sclerosing poliodystrophy (MTDPS4A). Also called: Mitochondrial DNA Depletion Syndrome 4A; ALPERS PROGRESSIVE INFANTILE POLIODYSTROPHY; NEURONAL DEGENERATION OF CHILDHOOD WITH LIVER DISEASE, PROGRESSIVE; Mitochondrial DNA depletion syndrome 4A (Alpers type); Alpers-Huttenlocher Syndrome (AHS); Alpers Syndrome. Identifiers: Orphanet 726, MedGen C0205710, MONDO:0008758, OMIM 203700.

Submission:

Juno Genomics, Hangzhou Juno Genomics, Inc
Classification: Likely pathogenic for Progressive sclerosing poliodystrophy; Sensory ataxic neuropathy, dysarthria, and ophthalmoparesis; Mitochondrial DNA depletion syndrome 4b; Progressive external ophthalmoplegia with mitochondrial DNA deletions, autosomal dominant 1; Progressive external ophthalmoplegia with mitochondrial DNA deletions, autosomal recessive 1. Review status: criteria provided, single submitter. Criteria: ACMG Guidelines, 2015. Collection method: clinical testing. Allele origin: germline. Affected: yes.
Comment: Absent from controls (or at extremely low frequency if recessive) in Genome Aggregation Database, Exome Sequencing Project, 1000 Genomes Project, or Exome Aggregation Consortium.;Null variant in a gene where loss of function (LOF) is a known mechanism of disease.

NM_002693.3(POLG):c.3265C>T (p.Gln1089Ter)

Gene: POLG (DNA polymerase gamma, catalytic subunit; minus strand). Cytogenetic location: 15q26.1.
Variant type: single nucleotide variant.
Coding change: c.3265C>T on transcript NM_002693.3 (MANE Select); coding-DNA position 3265, C replaced by T.
Protein change: p.Gln1089Ter; replaces glutamine 1089 with a stop codon.
Molecular consequence: nonsense.
Genome position (GRCh38, 1-based): chr15:89,318,939, G>A on the plus strand (C>T on the coding strand, the complement: POLG is on the minus strand). VCF-style: chr15-89318939-G-A. GRCh37 (hg19) VCF-style: chr15-89862170-G-A.
Other names: c.3265C>T, p.Gln1089Ter (NM_001126131.2); short protein forms Q1089*.
Identifiers: ClinVar variation 3899883 (VCV003899883.2).